The following is an entry in ClinVar:

ClinVar aggregate classification (germline): Pathogenic (1 of 4 stars; one submission).

Conditions:
Hereditary spastic paraplegia 11. Also called: SPASTIC PARAPLEGIA, AUTOSOMAL RECESSIVE, COMPLICATED, WITH THIN CORPUS CALLOSUM; SPASTIC PARAPLEGIA, AUTOSOMAL RECESSIVE, WITH MENTAL IMPAIRMENT AND THIN CORPUS CALLOSUM; Spastic Paraplegia 11; Nakamura Osame syndrome; Autosomal recessive hereditary spastic paraplegia, mental impairment, and thin corpus callosum; Spastic paraplegia, mental retardation and thin corpus callosum. Identifiers: Orphanet 2822, MedGen C1858479, MONDO:0011445, OMIM 604360.

Submission:

Labcorp Genetics (formerly Invitae), Labcorp
Classification: Pathogenic for Hereditary spastic paraplegia 11. Last evaluated: 2023-10-17. Review status: criteria provided, single submitter. Criteria: Invitae Variant Classification Sherloc (09022015). Collection method: clinical testing. Allele origin: germline.
Comment: This sequence change creates a premature translational stop signal (p.Arg1952Lysfs*10) in the SPG11 gene. It is expected to result in an absent or disrupted protein product. Loss-of-function variants in SPG11 are known to be pathogenic (PMID: 19105190, 20110243, 22154821, 26556829). This variant is not present in population databases (gnomAD no frequency). This variant has not been reported in the literature in individuals affected with SPG11-related conditions. For these reasons, this variant has been classified as Pathogenic.

Literature cited by the submitters: PubMed 19105190; PubMed 20110243; PubMed 22154821; PubMed 26556829.

NM_025137.4(SPG11):c.5854dup (p.Arg1952fs)

Gene: SPG11 (SPG11 vesicle trafficking associated, spatacsin; minus strand). Cytogenetic location: 15q21.1.
Variant type: Duplication.
Coding change: c.5854dup on transcript NM_025137.4 (MANE Select); coding-DNA position 5854, one base duplicated (A; older notation c.5854dupA).
Protein change: p.Arg1952fs; shifts the reading frame from arginine 1952.
Molecular consequence: frameshift variant.
Genome position (GRCh38, 1-based): chr15:44,583,826, T duplicated on the plus strand (A on the coding strand, the reverse complement: SPG11 is on the minus strand). VCF-style (leftmost placement, unchanged base first): chr15-44583825-C-CT. GRCh37 (hg19) VCF-style: chr15-44876023-C-CT.
Other names: c.5854dup, p.Arg1952fs (NM_001160227.2); c.5710dup, p.Arg1904fs (NM_001411132.1); short protein forms R1952fs, R1904fs.
Identifiers: ClinVar variation 2780577 (VCV002780577.3), dbSNP rs2505289244, ClinGen allele CA2739278987.
Genomic context (GRCh38, chr15:44,583,825, plus strand): 5'-GCTAACAGTGCCATTTAAGACTCTGGGCCATCTGATCTCCTTCACTTACTGCTGTGGACT[C>CT]TCCTTAGGGGAATGTCGGGTGCTTCTTCCTCAAGCAGCTCAGCACTTTGTAGGAGAGCAT-3'